The following is an entry in ClinVar:

NM_022124.6(CDH23):c.2911_2914del (p.Gly971fs)

Gene: CDH23 (cadherin related 23; plus strand). Cytogenetic location: 10q22.1.
Variant type: Deletion.
Coding change: c.2911_2914del on transcript NM_022124.6 (MANE Select); coding-DNA positions 2911 to 2914, 4 bases deleted (GGCA; older notation c.2911_2914delGGCA).
Protein change: p.Gly971fs; shifts the reading frame from glycine 971.
Molecular consequence: frameshift variant.
Genome position (GRCh38, 1-based): chr10:71,705,088-71,705,091, GGCA deleted; deleting any 4 consecutive bases within chr10:71,705,085-71,705,091 gives the same sequence; the c. name uses the placement nearest the transcript's 3' end. VCF-style (leftmost placement, unchanged base first): chr10-71705084-TGCAG-T. GRCh37 (hg19) VCF-style: chr10-73464841-TGCAG-T.
Other names: c.2911_2914del, p.Gly971fs (NM_001171931.2, NM_001171930.2); short protein forms G971fs.
Identifiers: ClinVar variation 2710121 (VCV002710121.3), dbSNP rs2494061798, ClinGen allele CA2697558440.

ClinVar aggregate classification (germline): Pathogenic (1 of 4 stars; one submission).

Submission:

Labcorp Genetics (formerly Invitae), Labcorp
Classification: Pathogenic. Last evaluated: 2024-01-18. Review status: criteria provided, single submitter. Criteria: Invitae Variant Classification Sherloc (09022015). Collection method: clinical testing. Allele origin: germline.
Comment: This sequence change creates a premature translational stop signal (p.Gly971Argfs*17) in the CDH23 gene. It is expected to result in an absent or disrupted protein product. Loss-of-function variants in CDH23 are known to be pathogenic (PMID: 11138009, 21940737). This variant is not present in population databases (gnomAD no frequency). This variant has not been reported in the literature in individuals affected with CDH23-related conditions. For these reasons, this variant has been classified as Pathogenic.

Literature cited by the submitters: PubMed 11138009; PubMed 21940737.